The following is an entry in ClinVar:

NM_013275.6(ANKRD11):c.46C>T (p.Pro16Ser)

Gene: ANKRD11 (ankyrin repeat domain 11; minus strand). Cytogenetic location: 16q24.3.
Variant type: single nucleotide variant.
Coding change: c.46C>T on transcript NM_013275.6 (MANE Select); coding-DNA position 46, C replaced by T.
Protein change: p.Pro16Ser; replaces proline 16 with serine.
Molecular consequence: missense variant. On other transcripts: non-coding transcript variant (1).
Genome position (GRCh38, 1-based): chr16:89,316,974, G>A on the plus strand (C>T on the coding strand, the complement: ANKRD11 is on the minus strand). VCF-style: chr16-89316974-G-A. GRCh37 (hg19) VCF-style: chr16-89383382-G-A.
Other names: c.46C>T, p.Pro16Ser (NM_001256182.2, NM_001256183.2); short protein forms P16S.
Identifiers: ClinVar variation 3010352 (VCV003010352.3), dbSNP rs2544550694, ClinGen allele CA397166738.

ClinVar aggregate classification (germline): Uncertain significance (1 of 4 stars; one submission).

Conditions:
KBG syndrome (KBGS). Also called: ANKRD11-Related KBG Syndrome. Identifiers: Orphanet 2332, MedGen C0220687, MONDO:0007846, OMIM 148050.

Submission:

Labcorp Genetics (formerly Invitae), Labcorp
Classification: Uncertain significance for KBG syndrome. Last evaluated: 2023-08-17. Review status: criteria provided, single submitter. Criteria: Invitae Variant Classification Sherloc (09022015). Collection method: clinical testing. Allele origin: germline.
Comment: In summary, the available evidence is currently insufficient to determine the role of this variant in disease. Therefore, it has been classified as a Variant of Uncertain Significance. Advanced modeling of protein sequence and biophysical properties (such as structural, functional, and spatial information, amino acid conservation, physicochemical variation, residue mobility, and thermodynamic stability) performed at Invitae indicates that this missense variant is not expected to disrupt ANKRD11 protein function. This variant has not been reported in the literature in individuals affected with ANKRD11-related conditions. This variant is not present in population databases (gnomAD no frequency). This sequence change replaces proline, which is neutral and non-polar, with serine, which is neutral and polar, at codon 16 of the ANKRD11 protein (p.Pro16Ser).